The following is an entry in ClinVar:

NM_004946.3(DOCK2):c.363G>A (p.Met121Ile)

Gene: DOCK2 (dedicator of cytokinesis 2; plus strand). Cytogenetic location: 5q35.1.
Variant type: single nucleotide variant.
Coding change: c.363G>A on transcript NM_004946.3 (MANE Select); coding-DNA position 363, G replaced by A.
Protein change: p.Met121Ile; replaces methionine 121 with isoleucine.
Molecular consequence: missense variant. On other transcripts: non-coding transcript variant (1).
Genome position (GRCh38, 1-based): chr5:169,674,338, G>A. VCF-style: chr5-169674338-G-A. GRCh37 (hg19) VCF-style: chr5-169101342-G-A.
Other names: short protein forms M121I.
Identifiers: ClinVar variation 1508899 (VCV001508899.5), dbSNP rs1026577454, ClinGen allele CA132000538.

ClinVar aggregate classification (germline): Uncertain significance (1 of 4 stars; one submission).

Conditions:
DOCK2 deficiency. Also called: Immunodeficiency 40. Identifiers: Orphanet 447737, MedGen C4225328, MONDO:0014637, OMIM 616433.

Allele frequency attached by ClinVar (database versions not stated): gnomAD exomes below 0.00001; TOPMed below 0.00001.

Submission:

Labcorp Genetics (formerly Invitae), Labcorp
Classification: Uncertain significance for DOCK2 deficiency. Last evaluated: 2021-09-01. Review status: criteria provided, single submitter. Criteria: Invitae Variant Classification Sherloc (09022015). Collection method: clinical testing. Allele origin: germline.
Comment: This sequence change replaces methionine with isoleucine at codon 121 of the DOCK2 protein (p.Met121Ile). The methionine residue is moderately conserved and there is a small physicochemical difference between methionine and isoleucine. This variant is not present in population databases (ExAC no frequency). This variant has not been reported in the literature in individuals affected with DOCK2-related conditions. Algorithms developed to predict the effect of missense changes on protein structure and function (SIFT, PolyPhen-2, Align-GVGD) all suggest that this variant is likely to be tolerated. In summary, the available evidence is currently insufficient to determine the role of this variant in disease. Therefore, it has been classified as a Variant of Uncertain Significance.